The following is an entry in ClinVar:

NM_000057.4(BLM):c.2884A>T (p.Ile962Phe)

Gene: BLM (BLM RecQ like helicase; plus strand). Cytogenetic location: 15q26.1.
Variant type: single nucleotide variant.
Coding change: c.2884A>T on transcript NM_000057.4 (MANE Select); coding-DNA position 2884, A replaced by T.
Protein change: p.Ile962Phe; replaces isoleucine 962 with phenylalanine.
Molecular consequence: missense variant.
Genome position (GRCh38, 1-based): chr15:90,790,709, A>T. VCF-style: chr15-90790709-A-T. GRCh37 (hg19) VCF-style: chr15-91333939-A-T.
Other names: c.2884A>T, p.Ile962Phe (NM_001287246.2, NM_001287247.2); c.1759A>T, p.Ile587Phe (NM_001287248.2); c.2884A>T (NM_000057.3); short protein forms I587F, I962F.
Identifiers: ClinVar variation 1428929 (VCV001428929.11), dbSNP rs1896883323, ClinGen allele CA393846341.

ClinVar aggregate classification (germline): Uncertain significance. Review status: criteria provided, multiple submitters, no conflicts (2 of 4 stars). 3 submissions from 3 submitters: Uncertain significance (2). 1 of the submissions does not count toward it. Last evaluated 2024-12-17.

Conditions:
Hereditary cancer-predisposing syndrome. Also called: Tumor predisposition; Hereditary neoplastic syndrome; Neoplastic Syndromes, Hereditary; Hereditary Cancer Syndrome. Identifiers: Orphanet 140162, MedGen C0027672, MeSH D009386, MONDO:0015356.
Bloom syndrome (BLM). Also called: Bloom-Torre-Machacek syndrome. Identifiers: Orphanet 125, MedGen C0005859, MONDO:0008876, OMIM 210900.

Allele frequency attached by ClinVar (database versions not stated): gnomAD exomes 0.00001; TOPMed 0.00001.
gnomAD v4.1: 6 of 1,614,210 alleles (0.00037%); highest among the groups gnomAD compares: Non-Finnish European, 0.00051%; no homozygotes.

Submissions (3):

Ambry Genetics
Classification: Uncertain significance for Hereditary cancer-predisposing syndrome. Last evaluated: 2024-12-17. Review status: criteria provided, single submitter. Criteria: Ambry Variant Classification Scheme 2023. Collection method: clinical testing. Allele origin: germline.
Comment: The p.I962F variant (also known as c.2884A>T), located in coding exon 14 of the BLM gene, results from an A to T substitution at nucleotide position 2884. The isoleucine at codon 962 is replaced by phenylalanine, an amino acid with highly similar properties. This amino acid position is conserved. In addition, this alteration is predicted to be deleterious by in silico analysis. Since supporting evidence is limited at this time, the clinical significance of this alteration remains unclear.

Labcorp Genetics (formerly Invitae), Labcorp
Classification: Uncertain significance for Bloom syndrome. Last evaluated: 2024-10-22. Review status: criteria provided, single submitter. Criteria: Invitae Variant Classification Sherloc (09022015). Collection method: clinical testing. Allele origin: germline.
Comment: This sequence change replaces isoleucine, which is neutral and non-polar, with phenylalanine, which is neutral and non-polar, at codon 962 of the BLM protein (p.Ile962Phe). This variant is not present in population databases (gnomAD no frequency). This variant has not been reported in the literature in individuals affected with BLM-related conditions. ClinVar contains an entry for this variant (Variation ID: 1428929). Invitae Evidence Modeling of protein sequence and biophysical properties (such as structural, functional, and spatial information, amino acid conservation, physicochemical variation, residue mobility, and thermodynamic stability) indicates that this missense variant is not expected to disrupt BLM protein function with a negative predictive value of 80%. In summary, the available evidence is currently insufficient to determine the role of this variant in disease. Therefore, it has been classified as a Variant of Uncertain Significance.

Natera, Inc.
Classification: Uncertain significance for Bloom syndrome. Last evaluated: 2025-04-16. Review status: no assertion criteria provided. Collection method: clinical testing. Allele origin: germline. Not counted in ClinVar's aggregate classification.